The following is an entry in ClinVar:

ClinVar aggregate classification (germline): Uncertain significance. Review status: criteria provided, multiple submitters, no conflicts (2 of 4 stars). 3 submissions from 3 submitters: Uncertain significance (3). Last evaluated 2025-12-30.

Conditions:
Idiopathic generalized epilepsy. Also called: Generalised epilepsy; EIG. Identifiers: MedGen C0270850, MONDO:0005579, OMIM 600669.
Epilepsy, childhood absence 4 (ECA4). Also called: EPILEPSY, CHILDHOOD ABSENCE, SUSCEPTIBILITY TO, 4. Identifiers: Orphanet 307, MedGen C1970160.
Epilepsy, idiopathic generalized, susceptibility to, 13. Also called: EPILEPSY, JUVENILE MYOCLONIC, SUSCEPTIBILITY TO, 5. Identifiers: Orphanet 307, Orphanet 64280, MedGen C4013473, MONDO:0012627, OMIM 611136.
Developmental and epileptic encephalopathy, 19 (DEE19). Also called: Epileptic encephalopathy, early infantile, 19. Identifiers: Orphanet 33069, MedGen C3810400, MONDO:0014328, OMIM 615744.

Submissions (3):

Genetics and Molecular Pathology, SA Pathology
Classification: Uncertain significance for Developmental and epileptic encephalopathy, 19. Last evaluated: 2025-12-30. Review status: criteria provided, single submitter. Criteria: ACMG Guidelines, 2015. Collection method: clinical testing. Allele origin: germline. Affected: yes.

Labcorp Genetics (formerly Invitae), Labcorp
Classification: Uncertain significance for Epilepsy, childhood absence 4; Epilepsy, idiopathic generalized, susceptibility to, 13; Idiopathic generalized epilepsy. Last evaluated: 2019-07-23. Review status: criteria provided, single submitter. Criteria: Invitae Variant Classification Sherloc (09022015). Collection method: clinical testing. Allele origin: germline.
Comment: In summary, the available evidence is currently insufficient to determine the role of this variant in disease. Therefore, it has been classified as a Variant of Uncertain Significance. Algorithms developed to predict the effect of missense changes on protein structure and function (SIFT, PolyPhen-2, Align-GVGD) all suggest that this variant is likely to be disruptive, but these predictions have not been confirmed by published functional studies and their clinical significance is uncertain. This variant has not been reported in the literature in individuals with GABRA1-related conditions. This variant is not present in population databases (ExAC no frequency). This sequence change replaces tyrosine with cysteine at codon 321 of the GABRA1 protein (p.Tyr321Cys). The tyrosine residue is highly conserved and there is a large physicochemical difference between tyrosine and cysteine.

Blueprint Genetics
Classification: Uncertain significance. Last evaluated: 2018-09-21. Review status: criteria provided, single submitter. Criteria: ACMG Guidelines, 2015. Collection method: clinical testing. Allele origin: germline.

NM_001127644.2(GABRA1):c.962A>G (p.Tyr321Cys)

Gene: GABRA1 (gamma-aminobutyric acid type A receptor subunit alpha1; plus strand). Cytogenetic location: 5q34.
Variant type: single nucleotide variant.
Coding change: c.962A>G on transcript NM_001127644.2 (MANE Select); coding-DNA position 962, A replaced by G.
Protein change: p.Tyr321Cys; replaces tyrosine 321 with cysteine.
Molecular consequence: missense variant.
Genome position (GRCh38, 1-based): chr5:161,895,771, A>G. VCF-style: chr5-161895771-A-G. GRCh37 (hg19) VCF-style: chr5-161322777-A-G.
Other names: c.962A>G, p.Tyr321Cys (NM_000806.5, NM_001127643.2, NM_001127645.2 and 1 more transcripts); short protein forms Y321C.
Identifiers: ClinVar variation 934096 (VCV000934096.11), dbSNP rs1755336507, ClinGen allele CA362180294.